The following is an entry in ClinVar:

ClinVar aggregate classification (germline): Uncertain significance (1 of 4 stars; one submission).

Conditions:
Hereditary spastic paraplegia 39 (SPG39). Also called: Spastic Paraplegia Type 39 (SPG39); SPASTIC PARAPLEGIA 39, AUTOSOMAL RECESSIVE. Identifiers: Orphanet 139480, MedGen C2677586, MONDO:0012787, OMIM 612020.

Submission:

Labcorp Genetics (formerly Invitae), Labcorp
Classification: Uncertain significance for Hereditary spastic paraplegia 39. Last evaluated: 2022-05-12. Review status: criteria provided, single submitter. Criteria: Invitae Variant Classification Sherloc (09022015). Collection method: clinical testing. Allele origin: germline.
Comment: In summary, the available evidence is currently insufficient to determine the role of this variant in disease. Therefore, it has been classified as a Variant of Uncertain Significance. Algorithms developed to predict the effect of sequence changes on RNA splicing suggest that this variant may disrupt the consensus splice site. This variant has not been reported in the literature in individuals affected with PNPLA6-related conditions. This variant is not present in population databases (gnomAD no frequency). This sequence change falls in intron 22 of the PNPLA6 gene. It does not directly change the encoded amino acid sequence of the PNPLA6 protein.

NM_001166114.2(PNPLA6):c.2401+13del

Gene: PNPLA6 (patatin like domain 6, lysophospholipase; plus strand). Cytogenetic location: 19p13.2.
Variant type: Deletion.
Coding change: c.2401+13del on transcript NM_001166114.2 (MANE Select); 13 bases into the intron after coding-DNA position 2401, one base deleted (A; older notation c.2401+13delA).
Molecular consequence: intron variant.
Genome position (GRCh38, 1-based): chr19:7,554,028, A deleted. VCF-style (leftmost placement, unchanged base first): chr19-7554027-GA-G. GRCh37 (hg19) VCF-style: chr19-7618913-GA-G.
Other names: c.2287+13del (NM_006702.5, NM_001166113.1); c.2206+13del (NM_001166112.2); c.2431+13del (NM_001166111.2).
Identifiers: ClinVar variation 1993675 (VCV001993675.4), dbSNP rs2512546935, ClinGen allele CA2580097088.